The following is an entry in ClinVar:

ClinVar aggregate classification (germline): Conflicting classifications of pathogenicity. Review status: criteria provided, conflicting classifications (1 of 4 stars). 7 submissions from 7 submitters: Uncertain significance (6); Likely benign (1). Last evaluated 2026-01-22.

Conditions:
Inborn genetic diseases. Identifiers: MedGen C0950123, MeSH D030342.
Methylmalonic acidemia with homocystinuria, type cblJ (MAHCJ). Also called: METHYLMALONIC ACIDURIA AND HOMOCYSTINURIA, cblJ TYPE. Identifiers: Orphanet 369955, MedGen C3553915, MONDO:0013925, OMIM 614857.

Allele frequency attached by ClinVar (database versions not stated): ExAC 0.00009; gnomAD exomes 0.00012 and 0.00025; gnomAD 0.00022; TOPMed 0.00025; ESP Exome Variant Server 0.00046.
gnomAD v4.1: 398 of 1,613,456 alleles (0.025%); highest among the groups gnomAD compares: African/African-American, 0.04%; no homozygotes.

Submissions (7):

Labcorp Genetics (formerly Invitae), Labcorp
Classification: Likely benign for Methylmalonic acidemia with homocystinuria, type cblJ. Last evaluated: 2026-01-22. Review status: criteria provided, single submitter. Criteria: Invitae Variant Classification Sherloc (09022015). Collection method: clinical testing. Allele origin: germline.

Ambry Genetics
Classification: Uncertain significance for Inborn genetic diseases. Last evaluated: 2025-02-12. Review status: criteria provided, single submitter. Criteria: Ambry Variant Classification Scheme 2023. Collection method: clinical testing. Allele origin: germline.

CeGaT Center for Human Genetics Tuebingen
Classification: Uncertain significance. Last evaluated: 2023-02-01. Review status: criteria provided, single submitter. Criteria: CeGaT Center For Human Genetics Tuebingen Variant Classification Criteria Version 2. Collection method: clinical testing. Allele origin: germline. Affected: yes. Observed: 1 variant allele.
Comment: ABCD4: PM2

Genetics and Molecular Pathology, SA Pathology
Classification: Uncertain significance for Methylmalonic acidemia with homocystinuria, type cblJ. Last evaluated: 2021-02-01. Review status: criteria provided, single submitter. Criteria: ACMG Guidelines, 2015. Collection method: clinical testing. Allele origin: germline. Affected: yes.

Institute of Human Genetics, University of Leipzig Medical Center
Classification: Uncertain significance for Methylmalonic acidemia with homocystinuria, type cblJ. Last evaluated: 2019-01-01. Review status: criteria provided, single submitter. Criteria: ACMG Guidelines, 2015. Collection method: clinical testing. Allele origin: unknown. Affected: yes.

GeneDx
Classification: Uncertain significance. Last evaluated: 2018-04-19. Review status: criteria provided, single submitter. Criteria: GeneDx Variant Classification (06012015). Collection method: clinical testing. Allele origin: germline. Affected: yes.
Comment: The D489N variant has not been published as a pathogenic variant, nor has it been reported as a benign variant to our knowledge. The D489N variant is observed in 4/8938 (0.05%) alleles from individuals of African background, in the ExAC dataset (Lek et al., 2016). The D489N variant is a semi-conservative amino acid substitution, which may impact secondary protein structure as these residues differ in some properties. This substitution occurs at a position that is conserved across species. In silico analysis is inconsistent in its predictions as to whether or not the variant is damaging to the protein structure/function. In summary, based on the currently available information, it is unclear whether this variant is a pathogenic variant or a rare benign variant.

ARUP Laboratories, Molecular Genetics and Genomics, ARUP Laboratories
Classification: Uncertain significance. Last evaluated: 2017-05-23. Review status: criteria provided, single submitter. Criteria: ARUP Molecular Germline Variant Investigation Process. Collection method: clinical testing. Allele origin: germline.
Comment: The p.Asp489Asn variant (rs139901585) has not been reported in the medical literature or gene specific variation databases, but has been reported to ClinVar (Variation ID: 424218). This variant is listed in the NHLBI GO Exome Sequencing Project with an overall population frequency of 0.05 percent (identified on 6 out of 13,006 chromosomes) and is listed in the Exome Aggregation Consortium Browser with an overall population frequency of 0.009 percent (identified on 10 out of 109,710 chromosomes). The aspartic acid at position 489 is highly conserved, up to C. elegans (considering 11 species) (Alamut v.2.9.0) and computational analyses of the effects of the p.Asp489Asn variant on protein structure and function provide conflicting results (SIFT: tolerated, MutationTaster: disease causing, PolyPhen-2: possibly damaging). Altogether, there is not enough evidence to classify the p.Asp489Asn variant with certainty.

NM_005050.4(ABCD4):c.1465G>A (p.Asp489Asn)

Gene: ABCD4 (ATP binding cassette subfamily D member 4; minus strand). Cytogenetic location: 14q24.3.
Variant type: single nucleotide variant.
Coding change: c.1465G>A on transcript NM_005050.4 (MANE Select); coding-DNA position 1465, G replaced by A.
Protein change: p.Asp489Asn; replaces aspartic acid 489 with asparagine.
Molecular consequence: missense variant. On other transcripts: non-coding transcript variant (10).
Genome position (GRCh38, 1-based): chr14:74,288,757, C>T on the plus strand (G>A on the coding strand, the complement: ABCD4 is on the minus strand). VCF-style: chr14-74288757-C-T. GRCh37 (hg19) VCF-style: chr14-74755460-C-T.
Other names: c.1339G>A, p.Asp447Asn (NM_001353591.2, NM_001353592.2); c.1204G>A, p.Asp402Asn (NM_001353593.2); c.1153G>A, p.Asp385Asn (NM_001353594.2); c.1051G>A, p.Asp351Asn (NM_001353595.2, NM_001353596.2); c.1000G>A, p.Asp334Asn (NM_001353597.2); c.988G>A, p.Asp330Asn (NM_001353598.2, NM_001353599.2, NM_001353600.2 and 2 more transcripts); c.676G>A, p.Asp226Asn (NM_001353602.2, NM_001353603.2, NM_001353604.2 and 6 more transcripts); c.1465G>A, p.Asp489Asn (NM_020325.3); short protein forms D489N, D351N, D330N, D402N, D226N, D334N, D447N, D385N.
Identifiers: ClinVar variation 424218 (VCV000424218.47), dbSNP rs139901585, ClinGen allele CA7266765.